The following is an entry in ClinVar:

ClinVar aggregate classification (germline): Uncertain significance (1 of 4 stars; one submission).

Conditions:
Vici syndrome (VICIS). Identifiers: Orphanet 1493, MedGen C1855772, MONDO:0009452, OMIM 242840.

Allele frequency attached by ClinVar (database versions not stated): gnomAD 0.00001; gnomAD exomes 0.00001; ESP Exome Variant Server 0.00009; ExAC 0.00001.
gnomAD v4.1: 11 of 1,521,846 alleles (0.00072%); highest among the groups gnomAD compares: East Asian, 0.0023%; no homozygotes.

Submission:

Labcorp Genetics (formerly Invitae), Labcorp
Classification: Uncertain significance for Vici syndrome. Last evaluated: 2023-12-21. Review status: criteria provided, single submitter. Criteria: Invitae Variant Classification Sherloc (09022015). Collection method: clinical testing. Allele origin: germline.
Comment: This sequence change replaces asparagine, which is neutral and polar, with serine, which is neutral and polar, at codon 1405 of the EPG5 protein (p.Asn1405Ser). This variant is present in population databases (rs374012879, gnomAD 0.007%). This variant has not been reported in the literature in individuals affected with EPG5-related conditions. ClinVar contains an entry for this variant (Variation ID: 1920305). Advanced modeling of protein sequence and biophysical properties (such as structural, functional, and spatial information, amino acid conservation, physicochemical variation, residue mobility, and thermodynamic stability) performed at Invitae indicates that this missense variant is not expected to disrupt EPG5 protein function with a negative predictive value of 80%. In summary, the available evidence is currently insufficient to determine the role of this variant in disease. Therefore, it has been classified as a Variant of Uncertain Significance.

NM_020964.3(EPG5):c.4214A>G (p.Asn1405Ser)

Gene: EPG5 (ectopic P-granules 5 autophagy tethering factor; minus strand). Cytogenetic location: 18q21.1.
Variant type: single nucleotide variant.
Coding change: c.4214A>G on transcript NM_020964.3 (MANE Select); coding-DNA position 4214, A replaced by G.
Protein change: p.Asn1405Ser; replaces asparagine 1405 with serine.
Molecular consequence: missense variant.
Genome position (GRCh38, 1-based): chr18:45,908,073, T>C on the plus strand (A>G on the coding strand, the complement: EPG5 is on the minus strand). VCF-style: chr18-45908073-T-C. GRCh37 (hg19) VCF-style: chr18-43488038-T-C.
Other names: c.4214A>G, p.Asn1405Ser (NM_001410858.1, NM_001410859.1); short protein forms N1405S.
Identifiers: ClinVar variation 1920305 (VCV001920305.3), dbSNP rs374012879, ClinGen allele CA8948938.